The following is an entry in ClinVar:

NM_000051.4(ATM):c.8268G>T (p.Lys2756Asn)

Genes: ATM (ATM serine/threonine kinase; plus strand), C11orf65 (chromosome 11 open reading frame 65; minus strand). Cytogenetic location: 11q22.3.
Variant type: single nucleotide variant.
Coding change: c.8268G>T on transcript NM_000051.4 (MANE Select); coding-DNA position 8268, G replaced by T.
Protein change: p.Lys2756Asn; replaces lysine 2756 with asparagine.
Molecular consequence: missense variant. On other transcripts: intron variant (2).
Genome position (GRCh38, 1-based): chr11:108,335,961, G>T. VCF-style: chr11-108335961-G-T. GRCh37 (hg19) VCF-style: chr11-108206688-G-T.
Other names: c.8268G>T, p.Lys2756Asn (NM_001351834.2); c.641-26890C>A (NM_001330368.2); c.695-669C>A (NM_001351110.2); short protein forms K2756N.
Identifiers: ClinVar variation 481301 (VCV000481301.23), dbSNP rs1555128642, ClinGen allele CA382562703.

ClinVar aggregate classification (germline): Conflicting classifications of pathogenicity. Review status: criteria provided, conflicting classifications (1 of 4 stars). 6 submissions from 6 submitters: Pathogenic (1); Likely pathogenic (3); Uncertain significance (2). Last evaluated 2025-10-31.

Conditions:
Hereditary cancer-predisposing syndrome. Also called: Neoplastic Syndromes, Hereditary; Hereditary Cancer Syndrome; Tumor predisposition; Hereditary neoplastic syndrome. Identifiers: Orphanet 140162, MedGen C0027672, MeSH D009386, MONDO:0015356.
Familial cancer of breast. Also called: Hereditary breast cancer; BREAST CANCER, FAMILIAL; hereditary breast carcinoma. Identifiers: Orphanet 227535, MedGen C0346153, MONDO:0016419, OMIM 114480. Disease mechanism: loss of function.
Ataxia-telangiectasia syndrome (AT). Also called: LOUIS-BAR SYNDROME; Cerebello-oculocutaneous telangiectasia; Immunodeficiency with ataxia telangiectasia; Ataxia-telangiectasia, complementation group D; AT, COMPLEMENTATION GROUP C; Ataxia-telangiectasia, complementation group E. Identifiers: Orphanet 100, MedGen C0004135, MONDO:0008840, OMIM 208900.

Allele frequency attached by ClinVar (database versions not stated): TOPMed below 0.00001.
gnomAD v4.1: 1 of 1,598,216 alleles (0.000063%); no homozygotes.

Submissions (6):

Myriad Genetics, Inc.
Classification: Likely pathogenic for Familial cancer of breast. Last evaluated: 2025-10-31. Review status: criteria provided, single submitter. Criteria: Myriad Autosomal Dominant, Autosomal Recessive and X-Linked Classification Criteria (2023). Collection method: clinical testing. Allele origin: unknown.
Comment: This variant is considered likely pathogenic. mRNA analysis has demonstrated abnormal mRNA splicing occurs [Myriad internal data].

Ambry Genetics
Classification: Likely pathogenic for Hereditary cancer-predisposing syndrome. Last evaluated: 2025-07-07. Review status: criteria provided, single submitter. Criteria: Ambry Variant Classification Scheme 2023. Collection method: clinical testing. Allele origin: germline.
Comment: The c.8268G>T variant (also known as p.K2756N), located in coding exon 55 of the ATM gene, results from a G to T substitution at nucleotide position 8268. The amino acid change results in lysine to asparagine at codon 2756, an amino acid with similar properties. However, this change occurs in the last base pair of coding exon 55, which makes it likely to have some effect on normal mRNA splicing. This nucleotide position is highly conserved in available vertebrate species. In silico splice site analysis predicts that this alteration will weaken the native splice donor site. RNA studies have demonstrated that this alteration results in abnormal splicing in the set of samples tested (Ambry internal data). Based on the majority of available evidence to date, this variant is likely to be pathogenic.

Labcorp Genetics (formerly Invitae), Labcorp
Classification: Pathogenic for Ataxia-telangiectasia syndrome. Last evaluated: 2025-02-06. Review status: criteria provided, single submitter. Criteria: Invitae Variant Classification Sherloc (09022015). Collection method: clinical testing. Allele origin: germline.
Comment: This sequence change replaces lysine, which is basic and polar, with asparagine, which is neutral and polar, at codon 2756 of the ATM protein (p.Lys2756Asn). RNA analysis indicates that this missense change induces altered splicing and likely results in a shortened protein product. This variant is not present in population databases (gnomAD no frequency). This variant has not been reported in the literature in individuals affected with ATM-related conditions. ClinVar contains an entry for this variant (Variation ID: 481301). An algorithm developed to predict the effect of missense changes on protein structure and function (PolyPhen-2) suggests that this variant is likely to be disruptive. Variants that disrupt the consensus splice site are a relatively common cause of aberrant splicing (PMID: 17576681, 9536098). Studies have shown that this missense change results in skipping of skipping of exon 56, but is expected to preserve the integrity of the reading-frame (internal data). This variant disrupts a region of the ATM protein in which other variant(s) (p.Gln2730Pro) have been determined to be pathogenic (PMID: 16189143, 19431188, 22869595). This suggests that this is a clinically significant region of the protein, and that variants that disrupt it are likely to be disease-causing. For these reasons, this variant has been classified as Pathogenic.

Baylor Genetics
Classification: Uncertain significance for Familial cancer of breast. Last evaluated: 2023-07-31. Review status: criteria provided, single submitter. Criteria: ACMG Guidelines, 2015. Collection method: clinical testing. Allele origin: unknown.

GeneDx
Classification: Likely pathogenic. Last evaluated: 2023-05-24. Review status: criteria provided, single submitter. Criteria: GeneDx Variant Classification Process June 2021. Collection method: clinical testing. Allele origin: germline. Affected: yes.
Comment: Alters the last nucleotide of the in-frame exon and is predicted to alter the splice donor site and result in aberrant splicing, although in the absence of functional evidence the actual effect of this sequence change is unknown; Not observed at significant frequency in large population cohorts (gnomAD); In silico analysis supports that this missense variant has a deleterious effect on protein structure/function; Has not been previously published as pathogenic or benign to our knowledge; This variant is associated with the following publications: (PMID: 23532176)

Color Diagnostics, LLC DBA Color Health
Classification: Uncertain significance for Hereditary cancer-predisposing syndrome. Last evaluated: 2023-02-09. Review status: criteria provided, single submitter. Criteria: ACMG Guidelines, 2015. Collection method: clinical testing. Allele origin: germline.
Comment: This missense variant replaces lysine with asparagine at codon 2756 of the ATM protein. Computational prediction is inconclusive regarding the impact of this variant on protein structure and function (internally defined REVEL score threshold 0.5 < inconclusive < 0.7, PMID: 27666373). This variant changes the G nucleotide at the end of exon 56 and is predicted to impact the intron 56 splice donor site. This variant has been reported to impact RNA splicing by an external laboratory, however, detailed data are not available for review (ClinVar Accession: SCV000665610.4). This variant has been reported in individuals affected with early onset breast cancer or prostate cancer (communication with an external laboratory; ClinVar SCV001385326.3). This variant has not been identified in the general population by the Genome Aggregation Database (gnomAD). Although there is a suspicion for a pathogenic role, the available evidence is insufficient to determine the role of this variant in disease conclusively. Therefore, this variant is classified as a Variant of Uncertain Significance.

Literature cited by the submitters: PubMed 17576681 (cited by Labcorp Genetics (formerly Invitae), Labcorp); PubMed 9536098 (cited by Labcorp Genetics (formerly Invitae), Labcorp); PubMed 16189143 (cited by Labcorp Genetics (formerly Invitae), Labcorp); PubMed 19431188 (cited by Labcorp Genetics (formerly Invitae), Labcorp); PubMed 22869595 (cited by Labcorp Genetics (formerly Invitae), Labcorp).